The following is an entry in ClinVar:

NM_001365951.3(KIF1B):c.239A>G (p.Glu80Gly)

Gene: KIF1B (kinesin family member 1B; plus strand). Cytogenetic location: 1p36.22.
Variant type: single nucleotide variant.
Coding change: c.239A>G on transcript NM_001365951.3 (MANE Select); coding-DNA position 239, A replaced by G.
Protein change: p.Glu80Gly; replaces glutamic acid 80 with glycine.
Molecular consequence: missense variant.
Genome position (GRCh38, 1-based): chr1:10,258,548, A>G. VCF-style: chr1-10258548-A-G. GRCh37 (hg19) VCF-style: chr1-10318606-A-G.
Other names: c.239A>G, p.Glu80Gly (NM_001365952.1, NM_001365953.1, NM_015074.3 and 1 more transcripts); short protein forms E80G.
Identifiers: ClinVar variation 1790668 (VCV001790668.2), dbSNP rs2523465378, ClinGen allele CA338325019.
Genomic context (GRCh38, chr1:10,258,548, plus strand): 5'-TACAGCCCGAAGATCCCTGTTTTGCATCTCAAAACCGTGTGTACAATGACATTGGCAAGG[A>G]AATGCTCTTACACGCCTTTGAGGGATATAATGTCTGTATTTTTGCCTATGGGCAGACTGG-3'
Protein context (NP_001352880.1, residues 70-90): QNRVYNDIGK[Glu80Gly]MLLHAFEGYN

ClinVar aggregate classification (germline): Uncertain significance (1 of 4 stars; one submission).

Submission:

Ambry Genetics
Classification: Uncertain significance. Last evaluated: 2022-08-13. Review status: criteria provided, single submitter. Criteria: Ambry Variant Classification Scheme 2023. Collection method: clinical testing. Allele origin: germline.
Comment: The p.E80G variant (also known as c.239A>G), located in coding exon 3 of the KIF1B gene, results from an A to G substitution at nucleotide position 239. The glutamic acid at codon 80 is replaced by glycine, an amino acid with similar properties. This amino acid position is conserved. In addition, this alteration is predicted to be deleterious by in silico analysis. Since supporting evidence is limited at this time, the clinical significance of this alteration remains unclear.